The following is an entry in ClinVar:

ClinVar aggregate classification (germline): Pathogenic. Review status: criteria provided, multiple submitters, no conflicts (2 of 4 stars). 5 submissions from 5 submitters: Pathogenic (5). Last evaluated 2026-01-16.

Conditions:
Neurofibromatosis, familial spinal (FSNF). Identifiers: Orphanet 636, MedGen C1834235, MONDO:0008078, OMIM 162210. Disease mechanism: loss of function.
Juvenile myelomonocytic leukemia (JMML). Also called: LEUKEMIA, JUVENILE MYELOMONOCYTIC, SOMATIC. Identifiers: Orphanet 86834, MedGen C0349639, MONDO:0011908, OMIM 607785, HP:0012209.
Neurofibromatosis, type 1 (NF1). Also called: Neurofibromatosis, type I; NEUROFIBROMATOSIS, TYPE I, SOMATIC; Peripheral type neurofibromatosis; VON RECKLINGHAUSEN DISEASE. Identifiers: Orphanet 636, MedGen C0027831, MONDO:0018975, OMIM 162200. Disease mechanism: loss of function.
Neurofibromatosis-Noonan syndrome (NFNS). Also called: NEUROFIBROMATOSIS WITH NOONAN PHENOTYPE. Identifiers: Orphanet 638, MedGen C2931482, MONDO:0011035, OMIM 601321. Disease mechanism: loss of function.
Café-au-lait macules with pulmonary stenosis (WTSN). Also called: PULMONIC STENOSIS WITH CAFE-AU-LAIT SPOTS. Identifiers: MedGen C0553586, MONDO:0008672, OMIM 193520.
Hereditary cancer-predisposing syndrome. Also called: Hereditary neoplastic syndrome; Tumor predisposition; Neoplastic Syndromes, Hereditary; Hereditary Cancer Syndrome. Identifiers: Orphanet 140162, MedGen C0027672, MeSH D009386, MONDO:0015356.

gnomAD v4.1: 1 of 1,614,148 alleles (0.000062%); highest among the groups gnomAD compares: East Asian, 0.0022%; no homozygotes.

Submissions (5):

Labcorp Genetics (formerly Invitae), Labcorp
Classification: Pathogenic for Neurofibromatosis, type 1. Last evaluated: 2026-01-16. Review status: criteria provided, single submitter. Criteria: Invitae Variant Classification Sherloc (09022015). Collection method: clinical testing. Allele origin: germline.
Comment: This sequence change creates a premature translational stop signal (p.Gln2303*) in the NF1 gene. It is expected to result in an absent or disrupted protein product. Loss-of-function variants in NF1 are known to be pathogenic (PMID: 10712197, 23913538). This variant is not present in population databases (gnomAD no frequency). This premature translational stop signal has been observed in individual(s) with NF1-related conditions (PMID: 21354044, 30290804, 31717729, 31776437). Invitae Evidence Modeling of clinical and family history, age, sex, and reported ancestry of multiple individuals with this NF1 variant has been performed. This variant is expected to be pathogenic with a positive predictive value of at least 99%. This is a validated machine learning model that incorporates the clinical features of 1,785,918 individuals referred to our laboratory for NF1 testing. This variant is also known as c.6970C>T p.Gln2324Ter. ClinVar contains an entry for this variant (Variation ID: 428948). Algorithms developed to predict the effect of sequence changes on RNA splicing suggest that this variant may disrupt the consensus splice site. For these reasons, this variant has been classified as Pathogenic.

Genome-Nilou Lab
Classification: Pathogenic for Neurofibromatosis, type 1. Last evaluated: 2022-03-15. Review status: criteria provided, single submitter. Criteria: ACMG Guidelines, 2015. Collection method: clinical testing. Allele origin: germline. Affected: no.

GeneDx
Classification: Pathogenic. Last evaluated: 2020-06-23. Review status: criteria provided, single submitter. Criteria: GeneDx Variant Classification Process June 2021. Collection method: clinical testing. Allele origin: germline. Affected: yes.
Comment: Nonsense variant predicted to result in protein truncation or nonsense mediated decay in a gene for which loss-of-function is a known mechanism of disease; Not observed in large population cohorts (Lek 2016); This variant is associated with the following publications: (PMID: 31717729, 25525159, 21354044, 30290804, 31776437)

Fulgent Genetics
Classification: Pathogenic for Neurofibromatosis, type 1; Neurofibromatosis, familial spinal; Café-au-lait macules with pulmonary stenosis; Neurofibromatosis-Noonan syndrome; Juvenile myelomonocytic leukemia. Last evaluated: 2018-10-31. Review status: criteria provided, single submitter. Criteria: ACMG Guidelines, 2015. Collection method: clinical testing. Allele origin: unknown.

Ambry Genetics
Classification: Pathogenic for Hereditary cancer-predisposing syndrome. Last evaluated: 2014-05-27. Review status: criteria provided, single submitter. Criteria: Ambry Autosomal Dominant and X-Linked criteria (10/2015). Collection method: clinical testing. Allele origin: germline. Observed: 1 variant allele.
Comment: The p.Q2324*pathogenic mutation (also known as c.6970C>T, p.Q2303*, and c.6907C>T) located in coding exon 47 of the NF1 gene, results from a C to T substitution at nucleotide position 6970. This changes the amino acid from a glutamine to a stop codon within coding exon 47. This pathogenic mutation was identified in one individual who met clinical diagnostic criteria for NF1 (<span data-redactor="verified" style="background-color: initial;">Valero MC et al. J Mol Diagn. 2011; 13(2):113-22).<span data-redactor="verified" style="background-color: initial;">In addition to the clinical data presented in the literature, s<span data-redactor="verified" style="background-color: initial;">ince premature stop codons are typically deleterious in nature, this alteration is interpreted as a disease-causing mutation (ACMG Recommendations for Standards for Interpretation and Reporting of Sequence Variations. Revision 2007. Genet Med. 2008; 10:294).

Literature cited by the submitters: PubMed 10712197 (cited by Labcorp Genetics (formerly Invitae), Labcorp); PubMed 23913538 (cited by Labcorp Genetics (formerly Invitae), Labcorp); PubMed 21354044 (cited by Labcorp Genetics (formerly Invitae), Labcorp and Ambry Genetics); PubMed 30290804 (cited by Labcorp Genetics (formerly Invitae), Labcorp); PubMed 31717729 (cited by Labcorp Genetics (formerly Invitae), Labcorp); PubMed 31776437 (cited by Labcorp Genetics (formerly Invitae), Labcorp).

NM_001042492.3(NF1):c.6970C>T (p.Gln2324Ter)

Gene: NF1 (neurofibromin 1; plus strand). Cytogenetic location: 17q11.2.
Variant type: single nucleotide variant.
Coding change: c.6970C>T on transcript NM_001042492.3 (MANE Select); coding-DNA position 6970, C replaced by T.
Protein change: p.Gln2324Ter; replaces glutamine 2324 with a stop codon.
Molecular consequence: nonsense.
Genome position (GRCh38, 1-based): chr17:31,340,553, C>T. VCF-style: chr17-31340553-C-T. GRCh37 (hg19) VCF-style: chr17-29667571-C-T.
Other names: c.6907C>T, p.Gln2303Ter (NM_000267.4); short protein forms Q2303*, Q2324*.
Identifiers: ClinVar variation 428948 (VCV000428948.12), dbSNP rs1131691073, ClinGen allele CA399014940.